The following is an entry in ClinVar:

NM_000217.3(KCNA1):c.1466G>C (p.Ser489Thr)

Gene: KCNA1 (potassium voltage-gated channel subfamily A member 1; plus strand). Cytogenetic location: 12p13.32.
Variant type: single nucleotide variant.
Coding change: c.1466G>C on transcript NM_000217.3 (MANE Select); coding-DNA position 1466, G replaced by C.
Protein change: p.Ser489Thr; replaces serine 489 with threonine.
Molecular consequence: missense variant.
Genome position (GRCh38, 1-based): chr12:4,912,844, G>C. VCF-style: chr12-4912844-G-C. GRCh37 (hg19) VCF-style: chr12-5022010-G-C.
Other names: short protein forms S489T.
Identifiers: ClinVar variation 3626717 (VCV003626717.2).

ClinVar aggregate classification (germline): Uncertain significance (1 of 4 stars; one submission).

Conditions:
Episodic ataxia type 1 (EA1). Also called: Episodic ataxia/myokymia syndrome; ATAXIA, EPISODIC, WITH MYOKYMIA; MYOKYMIA WITH PERIODIC ATAXIA; PAROXYSMAL ATAXIA WITH NEUROMYOTONIA, HEREDITARY. Identifiers: Orphanet 37612, Orphanet 972, MedGen C1719788, MONDO:0008047, OMIM 160120.

Submission:

Labcorp Genetics (formerly Invitae), Labcorp
Classification: Uncertain significance for Episodic ataxia type 1. Last evaluated: 2024-04-08. Review status: criteria provided, single submitter. Criteria: Invitae Variant Classification Sherloc (09022015). Collection method: clinical testing. Allele origin: germline.
Comment: This sequence change replaces serine, which is neutral and polar, with threonine, which is neutral and polar, at codon 489 of the KCNA1 protein (p.Ser489Thr). This variant is present in population databases (no rsID available, gnomAD 0.007%). This variant has not been reported in the literature in individuals affected with KCNA1-related conditions. Advanced modeling of protein sequence and biophysical properties (such as structural, functional, and spatial information, amino acid conservation, physicochemical variation, residue mobility, and thermodynamic stability) performed at Invitae indicates that this missense variant is not expected to disrupt KCNA1 protein function with a negative predictive value of 95%. In summary, the available evidence is currently insufficient to determine the role of this variant in disease. Therefore, it has been classified as a Variant of Uncertain Significance.